The following is an entry in ClinVar:

ClinVar aggregate classification (germline): Uncertain significance (1 of 4 stars; one submission).

Allele frequency attached by ClinVar (database versions not stated): TOPMed below 0.00001; gnomAD 0.00001; ExAC 0.00004.
gnomAD v4.1: 2 of 1,568,712 alleles (0.00013%); highest among the groups gnomAD compares: African/African-American, 0.0027%; no homozygotes.

Submission:

Labcorp Genetics (formerly Invitae), Labcorp
Classification: Uncertain significance. Last evaluated: 2021-03-26. Review status: criteria provided, single submitter. Criteria: Invitae Variant Classification Sherloc (09022015). Collection method: clinical testing. Allele origin: germline.
Comment: This variant has not been reported in the literature in individuals with NLRP1-related conditions. In summary, the available evidence is currently insufficient to determine the role of this variant in disease. Therefore, it has been classified as a Variant of Uncertain Significance. Algorithms developed to predict the effect of missense changes on protein structure and function (SIFT, PolyPhen-2, Align-GVGD) all suggest that this variant is likely to be tolerated, but these predictions have not been confirmed by published functional studies and their clinical significance is uncertain. This variant is present in population databases (rs766538219, ExAC 0.03%). This sequence change replaces glutamic acid with lysine at codon 40 of the NLRP1 protein (p.Glu40Lys). The glutamic acid residue is weakly conserved and there is a small physicochemical difference between glutamic acid and lysine.

NM_033004.4(NLRP1):c.118G>A (p.Glu40Lys)

Gene: NLRP1 (NLR family pyrin domain containing 1; minus strand). Cytogenetic location: 17p13.2.
Variant type: single nucleotide variant.
Coding change: c.118G>A on transcript NM_033004.4 (MANE Select); coding-DNA position 118, G replaced by A.
Protein change: p.Glu40Lys; replaces glutamic acid 40 with lysine.
Molecular consequence: missense variant.
Genome position (GRCh38, 1-based): chr17:5,583,840, C>T on the plus strand (G>A on the coding strand, the complement: NLRP1 is on the minus strand). VCF-style: chr17-5583840-C-T. GRCh37 (hg19) VCF-style: chr17-5487160-C-T.
Other names: c.118G>A, p.Glu40Lys (NM_001033053.3, NM_014922.5, NM_033006.4 and 1 more transcripts); short protein forms E40K.
Identifiers: ClinVar variation 1510559 (VCV001510559.8), dbSNP rs766538219, ClinGen allele CA8327649.